The following is an entry in ClinVar:

ClinVar aggregate classification (germline): Uncertain significance (1 of 4 stars; one submission).

Conditions:
Autosomal recessive severe congenital neutropenia due to CSF3R deficiency. Also called: Neutropenia, severe congenital, 7, autosomal recessive. Identifiers: Orphanet 420702, MedGen C4310764, MONDO:0014865, OMIM 617014.

Submission:

Labcorp Genetics (formerly Invitae), Labcorp
Classification: Uncertain significance for Autosomal recessive severe congenital neutropenia due to CSF3R deficiency. Last evaluated: 2020-07-16. Review status: criteria provided, single submitter. Criteria: Invitae Variant Classification Sherloc (09022015). Collection method: clinical testing. Allele origin: germline.
Comment: This sequence change replaces aspartic acid with glutamic acid at codon 348 of the CSF3R protein (p.Asp348Glu). The aspartic acid residue is moderately conserved and there is a small physicochemical difference between aspartic acid and glutamic acid. This variant is not present in population databases (ExAC no frequency). This variant has not been reported in the literature in individuals with CSF3R-related conditions. Algorithms developed to predict the effect of missense changes on protein structure and function (SIFT, PolyPhen-2, Align-GVGD) all suggest that this variant is likely to be tolerated, but these predictions have not been confirmed by published functional studies and their clinical significance is uncertain. In summary, the available evidence is currently insufficient to determine the role of this variant in disease. Therefore, it has been classified as a Variant of Uncertain Significance.

NM_000760.4(CSF3R):c.1044C>A (p.Asp348Glu)

Gene: CSF3R (colony stimulating factor 3 receptor; minus strand). Cytogenetic location: 1p34.3.
Variant type: single nucleotide variant.
Coding change: c.1044C>A on transcript NM_000760.4 (MANE Select); coding-DNA position 1044, C replaced by A.
Protein change: p.Asp348Glu; replaces aspartic acid 348 with glutamic acid.
Molecular consequence: missense variant.
Genome position (GRCh38, 1-based): chr1:36,472,093, G>T on the plus strand (C>A on the coding strand, the complement: CSF3R is on the minus strand). VCF-style: chr1-36472093-G-T. GRCh37 (hg19) VCF-style: chr1-36937694-G-T.
Other names: c.1044C>A, p.Asp348Glu (NM_156039.3, NM_172313.3); short protein forms D348E.
Identifiers: ClinVar variation 1020480 (VCV001020480.8), dbSNP rs766845092, ClinGen allele CA339422117.